The following is an entry in ClinVar:

ClinVar aggregate classification (germline): Pathogenic. Review status: reviewed by expert panel (3 of 4 stars). 3 submissions from 3 submitters: Pathogenic (1). 2 of the submissions do not count toward it. Last evaluated 2016-09-08.

Conditions:
Hereditary breast ovarian cancer syndrome. Also called: Hereditary breast and ovarian cancer syndrome; Hereditary breast and ovarian cancer; Hereditary breast and ovarian cancer syndrome (HBOC); Breast and ovarian cancer; Hereditary breast and/or ovarian cancer syndrome; BRCA1- and BRCA2-Associated Hereditary Breast and Ovarian Cancer. Identifiers: Orphanet 145, MedGen C0677776, MeSH D061325, MONDO:0003582. Disease mechanism: loss of function.
Breast-ovarian cancer, familial, susceptibility to, 2 (BROVCA2). Also called: BRCA2 Hereditary Breast and Ovarian Cancer. Identifiers: Orphanet 145, MedGen C2675520, MONDO:0012933, OMIM 612555. Disease mechanism: loss of function.

Submissions (3):

Evidence-based Network for the Interpretation of Germline Mutant Alleles (ENIGMA)
Classification: Pathogenic for Breast-ovarian cancer, familial, susceptibility to, 2. Last evaluated: 2016-09-08. Review status: reviewed by expert panel. Criteria: ENIGMA BRCA1/2 Classification Criteria (2015). Collection method: curation. Allele origin: germline.
Comment: Variant allele predicted to encode a truncated non-functional protein.

Research Molecular Genetics Laboratory, Women's College Hospital, University of Toronto
Classification: Pathogenic for Hereditary breast ovarian cancer syndrome. Last evaluated: 2014-01-31. Review status: no assertion criteria provided. Collection method: research. Allele origin: germline. Affected: yes. Study: The Canadian Open Genetics Repository (COGR). Not counted in ClinVar's aggregate classification.

Breast Cancer Information Core (BIC) (BRCA2)
Classification: Pathogenic for Breast-ovarian cancer, familial 2. Last evaluated: 2003-12-23. Review status: no assertion criteria provided. Collection method: clinical testing. Allele origin: germline. Affected: yes. Observed: 1 variant allele. Not counted in ClinVar's aggregate classification.

NM_000059.4(BRCA2):c.6178del (p.Thr2060fs)

Gene: BRCA2 (BRCA2 DNA repair associated; plus strand). Cytogenetic location: 13q13.1.
Variant type: Deletion.
Coding change: c.6178del on transcript NM_000059.4 (MANE Select); coding-DNA position 6178, one base deleted (A; older notation c.6178delA).
Protein change: p.Thr2060fs; shifts the reading frame from threonine 2060.
Molecular consequence: frameshift variant.
Genome position (GRCh38, 1-based): chr13:32,340,533, A deleted. VCF-style (leftmost placement, unchanged base first): chr13-32340532-TA-T. GRCh37 (hg19) VCF-style: chr13-32914669-TA-T.
Other names: 6406delA; c.6178delA (NM_000059.3); short protein forms T2060fs.
Identifiers: ClinVar variation 52025 (VCV000052025.2), dbSNP rs80359563, ClinGen allele CA023722.